The following is an entry in ClinVar:

ClinVar aggregate classification (germline): Uncertain significance (0 of 4 stars; one submission).

Conditions:
SEMA3C-related disorder. Also called: SEMA3C-related condition.

Submission:

PreventionGenetics, part of Exact Sciences
Classification: Uncertain significance for SEMA3C-related condition. Last evaluated: 2023-12-21. Review status: no assertion criteria provided. Collection method: clinical testing. Allele origin: germline.
Comment: The SEMA3C c.1030A>G variant is predicted to result in the amino acid substitution p.Thr344Ala. To our knowledge, this variant has not been reported in the literature or in a large population database, indicating this variant is rare. At this time, the clinical significance of this variant is uncertain due to the absence of conclusive functional and genetic evidence.

NM_006379.5(SEMA3C):c.976A>G (p.Thr326Ala)

Gene: SEMA3C (semaphorin 3C; minus strand). Cytogenetic location: 7q21.11.
Variant type: single nucleotide variant.
Coding change: c.976A>G on transcript NM_006379.5 (MANE Select); coding-DNA position 976, A replaced by G.
Protein change: p.Thr326Ala; replaces threonine 326 with alanine.
Molecular consequence: missense variant.
Genome position (GRCh38, 1-based): chr7:80,800,767, T>C on the plus strand (A>G on the coding strand, the complement: SEMA3C is on the minus strand). VCF-style: chr7-80800767-T-C. GRCh37 (hg19) VCF-style: chr7-80430083-T-C.
Other names: c.1030A>G, p.Thr344Ala (NM_001350120.2); c.802A>G, p.Thr268Ala (NM_001350121.2); short protein forms T268A, T326A, T344A.
Identifiers: ClinVar variation 3348558 (VCV003348558.1).